The following is an entry in ClinVar:

ClinVar aggregate classification (germline): Uncertain significance (1 of 4 stars; one submission).

Conditions:
Hereditary cancer-predisposing syndrome. Also called: Neoplastic Syndromes, Hereditary; Hereditary Cancer Syndrome; Tumor predisposition; Hereditary neoplastic syndrome. Identifiers: Orphanet 140162, MedGen C0027672, MeSH D009386, MONDO:0015356.

Submission:

Ambry Genetics
Classification: Uncertain significance for Hereditary cancer-predisposing syndrome. Last evaluated: 2022-11-20. Review status: criteria provided, single submitter. Criteria: Ambry Variant Classification Scheme 2023. Collection method: clinical testing. Allele origin: germline.
Comment: The p.A317S variant (also known as c.949G>T), located in coding exon 6 of the CTNNA1 gene, results from a G to T substitution at nucleotide position 949. The alanine at codon 317 is replaced by serine, an amino acid with similar properties. This amino acid position is conserved. In addition, the in silico prediction for this alteration is inconclusive. Since supporting evidence is limited at this time, the clinical significance of this alteration remains unclear.

NM_001903.5(CTNNA1):c.949G>T (p.Ala317Ser)

Gene: CTNNA1 (catenin alpha 1; plus strand). Cytogenetic location: 5q31.2.
Variant type: single nucleotide variant.
Coding change: c.949G>T on transcript NM_001903.5 (MANE Select); coding-DNA position 949, G replaced by T.
Protein change: p.Ala317Ser; replaces alanine 317 with serine.
Molecular consequence: missense variant.
Genome position (GRCh38, 1-based): chr5:138,827,605, G>T. VCF-style: chr5-138827605-G-T. GRCh37 (hg19) VCF-style: chr5-138163294-G-T.
Other names: c.949G>T, p.Ala317Ser (NM_001290307.3, NM_001323982.2, NM_001323983.1 and 3 more transcripts); c.640G>T, p.Ala214Ser (NM_001290309.3); c.580G>T, p.Ala194Ser (NM_001290310.3); short protein forms A317S, A194S, A214S.
Identifiers: ClinVar variation 2448326 (VCV002448326.2), dbSNP rs2149785723, ClinGen allele CA361130943.